The following is an entry in ClinVar:

ClinVar aggregate classification (germline): Uncertain significance. Review status: criteria provided, multiple submitters, no conflicts (2 of 4 stars). 4 submissions from 4 submitters: Uncertain significance (4). Last evaluated 2025-08-06.

Conditions:
RLBP1-related disorder. Also called: RLBP1-related condition; RLBP1-related disorders. Identifiers: MedGen CN239413.

Allele frequency attached by ClinVar (database versions not stated): gnomAD exomes 0.00002; gnomAD 0.00003 and 0.00004; ExAC 0.00004; TOPMed 0.00004.
gnomAD v4.1: 40 of 1,614,098 alleles (0.0025%); highest among the groups gnomAD compares: Non-Finnish European, 0.0033%; no homozygotes.

Submissions (4):

PreventionGenetics, part of Exact Sciences
Classification: Uncertain significance for RLBP1-related condition. Last evaluated: 2025-08-06. Review status: criteria provided, single submitter. Criteria: ACMG Guidelines, 2015. Collection method: clinical testing. Allele origin: germline.
Comment: The RLBP1 c.530T>C variant is predicted to result in the amino acid substitution p.Leu177Ser. To our knowledge, this variant has not been reported in the literature. This variant is reported in 0.0053% of alleles in individuals of European (Non-Finnish) descent in gnomAD. At this time, the clinical significance of this variant is uncertain due to the absence of conclusive functional and genetic evidence.

Labcorp Genetics (formerly Invitae), Labcorp
Classification: Uncertain significance. Last evaluated: 2024-12-03. Review status: criteria provided, single submitter. Criteria: Invitae Variant Classification Sherloc (09022015). Collection method: clinical testing. Allele origin: germline.
Comment: This sequence change replaces leucine, which is neutral and non-polar, with serine, which is neutral and polar, at codon 177 of the RLBP1 protein (p.Leu177Ser). This variant is present in population databases (rs727504127, gnomAD 0.005%). This variant has not been reported in the literature in individuals affected with RLBP1-related conditions. ClinVar contains an entry for this variant (Variation ID: 167599). Invitae Evidence Modeling of protein sequence and biophysical properties (such as structural, functional, and spatial information, amino acid conservation, physicochemical variation, residue mobility, and thermodynamic stability) has been performed for this missense variant. However, the output from this modeling did not meet the statistical confidence thresholds required to predict the impact of this variant on RLBP1 protein function. In summary, the available evidence is currently insufficient to determine the role of this variant in disease. Therefore, it has been classified as a Variant of Uncertain Significance.

Blueprint Genetics
Classification: Uncertain significance. Last evaluated: 2024-09-01. Review status: criteria provided, single submitter. Criteria: ACMG Guidelines, 2015. Collection method: clinical testing. Allele origin: germline.

Eurofins Ntd Llc (ga)
Classification: Uncertain significance. Last evaluated: 2014-05-02. Review status: criteria provided, single submitter. Criteria: EGL Classification Definitions 2015. Collection method: clinical testing. Allele origin: germline. Observed: 1 variant allele, 1 heterozygote.

NM_000326.5(RLBP1):c.530T>C (p.Leu177Ser)

Gene: RLBP1 (retinaldehyde binding protein 1; minus strand). Cytogenetic location: 15q26.1.
Variant type: single nucleotide variant.
Coding change: c.530T>C on transcript NM_000326.5 (MANE Select); coding-DNA position 530, T replaced by C.
Protein change: p.Leu177Ser; replaces leucine 177 with serine.
Molecular consequence: missense variant.
Genome position (GRCh38, 1-based): chr15:89,211,897, A>G on the plus strand (T>C on the coding strand, the complement: RLBP1 is on the minus strand). VCF-style: chr15-89211897-A-G. GRCh37 (hg19) VCF-style: chr15-89755128-A-G.
Other names: c.530T>C (NM_000326.4); short protein forms L177S.
Identifiers: ClinVar variation 167599 (VCV000167599.12), dbSNP rs727504127, ClinGen allele CA234797.
Genomic context (GRCh38, chr15:89,211,897, plus strand): 5'-CCATTGATTTGAGTTTCCTCATTCTCCAGCAGCTTCTCCAGGATGAAGCAATATGCCTGC[A>G]AGATCTTGGGCACAGAGAGAACAGGCTGTAAGATCTAACCCGCAACAATAATTAAGGCTT-3'
Protein context (NP_000317.1, residues 167-187): QSQEITFDEI[Leu177Ser]QAYCFILEKL